The following is an entry in ClinVar:

NM_004408.4(DNM1):c.194C>T (p.Thr65Ile)

Genes: DNM1 (dynamin 1; plus strand), LOC113839516 (Sharpr-MPRA regulatory region 8497; plus strand). Cytogenetic location: 9q34.11.
Variant type: single nucleotide variant.
Coding change: c.194C>T on transcript NM_004408.4 (MANE Select); coding-DNA position 194, C replaced by T.
Protein change: p.Thr65Ile; replaces threonine 65 with isoleucine.
Molecular consequence: missense variant.
Genome position (GRCh38, 1-based): chr9:128,218,263, C>T. VCF-style: chr9-128218263-C-T. GRCh37 (hg19) VCF-style: chr9-130980542-C-T.
Other names: c.194C>T, p.Thr65Ile (NM_001005336.3, NM_001288737.2, NM_001288738.2 and 2 more transcripts); short protein forms T65I.
Identifiers: ClinVar variation 1321293 (VCV001321293.1), dbSNP rs2131148741, ClinGen allele CA375010195.
Genomic context (GRCh38, chr9:128,218,263, plus strand): 5'-CCCTCCTTTGACCTCCAACTCATTGCAGGGACTTCTTGCCTCGAGGATCTGGCATTGTCA[C>T]CCGACGTCCCCTGGTCTTGCAGCTGGTCAATGCAACCACAGGTACGTGCCCTCCTTCACC-3'
Protein context (NP_004399.2, residues 55-75): DFLPRGSGIV[Thr65Ile]RRPLVLQLVN

ClinVar aggregate classification (germline): Uncertain significance (1 of 4 stars; one submission).

Conditions:
Developmental and epileptic encephalopathy, 31A. Also called: Epileptic encephalopathy, early infantile, 31; Developmental and epileptic encephalopathy, 31. Identifiers: Orphanet 2382, MedGen C4225357, MONDO:0014598, OMIM 616346.

Submission:

3billion
Classification: Uncertain significance for Developmental and epileptic encephalopathy, 31A. Last evaluated: 2021-10-25. Review status: criteria provided, single submitter. Criteria: ACMG Guidelines, 2015. Collection method: clinical testing. Allele origin: de novo. Affected: yes. Observed: 1 heterozygote.
Comment: The variant has been observed as assumed (i.e. paternity and maternity not confirmed) de novo (3billion dataset). It is not observed in the gnomAD v2.1.1 dataset (PM2). In silico tool predictions suggest damaging effect of the variant on gene or gene product (REVEL: 0.983, PP3). Therefore, this variant is classified as likley pathogenic according to the recommendation of ACMG/AMP guideline.